The following is an entry in ClinVar:

NM_003661.4(APOL1):c.460A>T (p.Asn154Tyr)

Gene: APOL1 (apolipoprotein L1; plus strand). Cytogenetic location: 22q12.3.
Variant type: single nucleotide variant.
Coding change: c.460A>T on transcript NM_003661.4 (MANE Select); coding-DNA position 460, A replaced by T.
Protein change: p.Asn154Tyr; replaces asparagine 154 with tyrosine.
Molecular consequence: missense variant.
Genome position (GRCh38, 1-based): chr22:36,265,296, A>T. VCF-style: chr22-36265296-A-T. GRCh37 (hg19) VCF-style: chr22-36661342-A-T.
Other names: c.460A>T, p.Asn154Tyr (NM_001136540.2); c.406A>T, p.Asn136Tyr (NM_001136541.2, NM_001362927.2); c.508A>T, p.Asn170Tyr (NM_145343.3); short protein forms N136Y, N154Y, N170Y.
Identifiers: ClinVar variation 2428357 (VCV002428357.6), dbSNP rs757814781, ClinGen allele CA10208682.
Genomic context (GRCh38, chr22:36,265,296, plus strand): 5'-CAGCAGTACAGAAACTGGTTTCTGAAAGAGTTTCCTCGGTTGAAAAGTGAGCTTGAGGAT[A>T]ACATAAGAAGGCTCCGTGCCCTTGCAGATGGGGTTCAGAAGGTCCACAAAGGCACCACCA-3'
Protein context (NP_003652.2, residues 144-164): FPRLKSELED[Asn154Tyr]IRRLRALADG

ClinVar aggregate classification (germline): Uncertain significance (1 of 4 stars; one submission).

Allele frequency attached by ClinVar (database versions not stated): TOPMed 0.00001; ExAC 0.00002; gnomAD 0.00002; gnomAD exomes 0.00004.
gnomAD v4.1: 68 of 1,613,728 alleles (0.0042%); highest among the groups gnomAD compares: Non-Finnish European, 0.0046%; no homozygotes.

Submission:

Labcorp Genetics (formerly Invitae), Labcorp
Classification: Uncertain significance. Last evaluated: 2024-01-19. Review status: criteria provided, single submitter. Criteria: Invitae Variant Classification Sherloc (09022015). Collection method: clinical testing. Allele origin: germline.
Comment: This sequence change replaces asparagine, which is neutral and polar, with tyrosine, which is neutral and polar, at codon 154 of the APOL1 protein (p.Asn154Tyr). This variant is present in population databases (rs757814781, gnomAD 0.009%). This variant has not been reported in the literature in individuals affected with APOL1-related conditions. ClinVar contains an entry for this variant (Variation ID: 2428357). An algorithm developed to predict the effect of missense changes on protein structure and function (PolyPhen-2) suggests that this variant is likely to be tolerated. In summary, the available evidence is currently insufficient to determine the role of this variant in disease. Therefore, it has been classified as a Variant of Uncertain Significance.